The following is an entry in ClinVar:

ClinVar aggregate classification (germline): Benign/Likely benign. Review status: criteria provided, multiple submitters, no conflicts (2 of 4 stars). 4 submissions from 4 submitters: Benign (1); Likely benign (3). Last evaluated 2026-08-03.

Conditions:
Familial colorectal cancer type X. Identifiers: Orphanet 440437, MedGen C3896578, MONDO:0018604.

Allele frequency attached by ClinVar (database versions not stated): gnomAD 0.00003 and 0.00004; TOPMed 0.00003; gnomAD exomes 0.00001.
gnomAD v4.1: 16 of 1,613,364 alleles (0.00099%); highest among the groups gnomAD compares: African/African-American, 0.0013%; no homozygotes.

Submissions (4):

Myriad Genetics, Inc.
Classification: Benign for Familial colorectal cancer type X. Last evaluated: 2026-08-03. Review status: criteria provided, single submitter. Criteria: Myriad Autosomal Dominant, Autosomal Recessive and X-Linked Classification Criteria (2023). Collection method: clinical testing. Allele origin: unknown.
Comment: This variant is considered benign. This variant is a silent/synonymous amino acid change and it is not expected to impact splicing.

Labcorp Genetics (formerly Invitae), Labcorp
Classification: Likely benign. Last evaluated: 2025-11-24. Review status: criteria provided, single submitter. Criteria: Invitae Variant Classification Sherloc (09022015). Collection method: clinical testing. Allele origin: germline.

CeGaT Center for Human Genetics Tuebingen
Classification: Likely benign. Last evaluated: 2025-04-01. Review status: criteria provided, single submitter. Criteria: CeGaT Center For Human Genetics Tuebingen Variant Classification Criteria Version 2. Collection method: clinical testing. Allele origin: germline. Affected: yes. Observed: 2 variant alleles.
Comment: RPS20: BP4, BP7

Ambry Genetics
Classification: Likely benign. Last evaluated: 2022-03-07. Review status: criteria provided, single submitter. Criteria: Ambry Variant Classification Scheme 2023. Collection method: clinical testing. Allele origin: germline.

NM_001023.4(RPS20):c.93C>T (p.Ser31=)

Gene: RPS20 (ribosomal protein S20; minus strand). Cytogenetic location: 8q12.1.
Variant type: single nucleotide variant.
Coding change: c.93C>T on transcript NM_001023.4 (MANE Select); coding-DNA position 93, C replaced by T.
Protein change: p.Ser31=; no amino-acid change (serine 31 retained).
Molecular consequence: synonymous variant.
Genome position (GRCh38, 1-based): chr8:56,074,070, G>A on the plus strand (C>T on the coding strand, the complement: RPS20 is on the minus strand). VCF-style: chr8-56074070-G-A. GRCh37 (hg19) VCF-style: chr8-56986629-G-A.
Other names: c.93C>T, p.Ser31= (NM_001146227.3).
Identifiers: ClinVar variation 1582473 (VCV001582473.34), dbSNP rs1020995286, ClinGen allele CA177250324.